The following is an entry in ClinVar:

NM_001387430.1(SH2B1):c.1941T>A (p.Pro647=)

Gene: SH2B1 (SH2B adaptor protein 1; plus strand). Cytogenetic location: 16p11.2.
Variant type: single nucleotide variant.
Coding change: c.1941T>A on transcript NM_001387430.1 (MANE Select); coding-DNA position 1941, T replaced by A.
Protein change: p.Pro647=; no amino-acid change (proline 647 retained).
Molecular consequence: synonymous variant. On other transcripts: 3 prime UTR variant (5).
Genome position (GRCh38, 1-based): chr16:28,873,490, T>A. VCF-style: chr16-28873490-T-A. GRCh37 (hg19) VCF-style: chr16-28884811-T-A.
Other names: c.1941T>A, p.Pro647= (NM_001145795.2, NM_001308293.2, NM_001387404.1); c.*25T>A (NM_001145796.2, NM_001145812.2, NM_001308294.2 and 1 more transcripts); c.*42T>A (NM_001145797.2).
Identifiers: ClinVar variation 3051476 (VCV003051476.2), dbSNP rs2544894786, ClinGen allele CA494873505.

ClinVar aggregate classification (germline): Likely benign (0 of 4 stars; one submission).

Conditions:
SH2B1-related disorder. Also called: SH2B1-related condition.

Submission:

PreventionGenetics, part of Exact Sciences
Classification: Likely benign for SH2B1-related condition. Last evaluated: 2021-09-14. Review status: no assertion criteria provided. Collection method: clinical testing. Allele origin: germline.
Comment: This variant is classified as likely benign based on ACMG/AMP sequence variant interpretation guidelines (Richards et al. 2015 PMID: 25741868, with internal and published modifications).